The following is an entry in ClinVar:

NM_004006.3(DMD):c.5574_5575del (p.His1858fs)

Gene: DMD (dystrophin; minus strand). Cytogenetic location: Xp21.1.
Variant type: Deletion.
Coding change: c.5574_5575del on transcript NM_004006.3 (MANE Select); coding-DNA positions 5574 to 5575, 2 bases deleted (TA; older notation c.5574_5575delTA).
Protein change: p.His1858fs; shifts the reading frame from histidine 1858.
Molecular consequence: frameshift variant.
Genome position (GRCh38, 1-based): chrX:32,345,954-32,345,955, TA deleted on the plus strand (TA on the coding strand, the reverse complement: DMD is on the minus strand); deleting any 2 consecutive bases within chrX:32,345,954-32,345,956 gives the same sequence; the c. name uses the placement nearest the transcript's 3' end. VCF-style (leftmost placement, unchanged base first): chrX-32345953-TTA-T. GRCh37 (hg19) VCF-style: chrX-32364070-TTA-T.
Other names: c.5550_5551del, p.His1850fs (NM_000109.4); c.5573_5574delAT, p.His1858Glnfs (NM_004006.2); c.5562_5563del, p.His1854fs (NM_004009.3); c.5205_5206del, p.His1735fs (NM_004010.3); c.1551_1552del, p.His517fs (NM_004011.4); c.1542_1543del, p.His514fs (NM_004012.4); short protein forms H1735fs, H514fs, H517fs, H1850fs, H1854fs, H1858fs.
Identifiers: ClinVar variation 2585587 (VCV002585587.2), dbSNP rs2521958710, ClinGen allele CA2582342896.

ClinVar aggregate classification (germline): Likely pathogenic. Review status: criteria provided, multiple submitters, no conflicts (2 of 4 stars). 2 submissions from 2 submitters: Likely pathogenic (2). Last evaluated 2025-03-21.

Conditions:
Duchenne muscular dystrophy (DMD). Also called: Duchenne Muscular Dystrophy (DMD); MUSCULAR DYSTROPHY, PSEUDOHYPERTROPHIC PROGRESSIVE, DUCHENNE TYPE. Identifiers: Orphanet 98896, MedGen C0013264, MONDO:0010679, OMIM 310200.

Submissions (2):

Revvity Omics, Revvity
Classification: Likely pathogenic. Last evaluated: 2025-03-21. Review status: criteria provided, single submitter. Criteria: ACMG Guidelines, 2015. Collection method: clinical testing. Allele origin: germline.

Neuberg Centre For Genomic Medicine, NCGM
Classification: Likely pathogenic for Duchenne muscular dystrophy. Review status: criteria provided, single submitter. Criteria: ACMG Guidelines, 2015. Collection method: clinical testing. Allele origin: germline. Inheritance: X-linked inheritance. Affected: yes.
Comment: The frame shift variant c.5574_5575del (p.His1858GlnfsTer29) in DMD gene has not been reported previously as a pathogenic variant nor as a benign variant, to our knowledge. The p.His1858GlnfsTer29 variant is novel (not in any individuals) in gnomAD Exomes and 1000 Genomes. This variant causes a frameshift starting with codon Histidine 1858, changes this amino acid to Glutamine residue, and creates a premature Stop codon at position 29 of the new reading frame, denoted p.His1858GlnfsTer29. For these reasons, this variant has been classified as Likely Pathogenic